The following is an entry in ClinVar:

ClinVar aggregate classification (germline): Pathogenic (1 of 4 stars; one submission).

Conditions:
Multiple acyl-CoA dehydrogenase deficiency (MADD). Also called: Glutaric acidemia type II; GA 2; Glutaric aciduria, type 2; Glutaric Acidemia type 2; ETHYLMALONIC-ADIPICACIDURIA; GA II. Identifiers: Orphanet 26791, MedGen C0268596, MONDO:0009282, OMIM 231680.

gnomAD v4.1: 4 of 1,613,980 alleles (0.00025%); highest among the groups gnomAD compares: Non-Finnish European, 0.00034%; no homozygotes.

Submission:

Labcorp Genetics (formerly Invitae), Labcorp
Classification: Pathogenic for Multiple acyl-CoA dehydrogenase deficiency. Last evaluated: 2023-05-09. Review status: criteria provided, single submitter. Criteria: Invitae Variant Classification Sherloc (09022015). Collection method: clinical testing. Allele origin: germline.
Comment: For these reasons, this variant has been classified as Pathogenic. Algorithms developed to predict the effect of sequence changes on RNA splicing suggest that this variant may create or strengthen a splice site. ClinVar contains an entry for this variant (Variation ID: 2032940). This variant has not been reported in the literature in individuals affected with ETFB-related conditions. This variant is not present in population databases (gnomAD no frequency). This sequence change creates a premature translational stop signal (p.Gln152*) in the ETFB gene. It is expected to result in an absent or disrupted protein product. Loss-of-function variants in ETFB are known to be pathogenic (PMID: 16510302, 23785301).

Literature cited by the submitters: PubMed 16510302; PubMed 23785301.

NM_001985.3(ETFB):c.454C>T (p.Gln152Ter)

Gene: ETFB (electron transfer flavoprotein subunit beta; minus strand). Cytogenetic location: 19q13.41.
Variant type: single nucleotide variant.
Coding change: c.454C>T on transcript NM_001985.3 (MANE Select); coding-DNA position 454, C replaced by T.
Protein change: p.Gln152Ter; replaces glutamine 152 with a stop codon.
Molecular consequence: nonsense.
Genome position (GRCh38, 1-based): chr19:51,347,043, G>A on the plus strand (C>T on the coding strand, the complement: ETFB is on the minus strand). VCF-style: chr19-51347043-G-A. GRCh37 (hg19) VCF-style: chr19-51850297-G-A.
Other names: c.727C>T, p.Gln243Ter (NM_001014763.1); short protein forms Q152*, Q243*.
Identifiers: ClinVar variation 2032940 (VCV002032940.4), dbSNP rs2514144323, ClinGen allele CA407081285.